The following is an entry in ClinVar:

ClinVar aggregate classification (germline): Likely pathogenic (1 of 4 stars; one submission).

Submission:

Labcorp Genetics (formerly Invitae), Labcorp
Classification: Likely pathogenic. Last evaluated: 2021-05-23. Review status: criteria provided, single submitter. Criteria: Invitae Variant Classification Sherloc (09022015). Collection method: clinical testing. Allele origin: unknown.
Comment: In summary, the currently available evidence indicates that the variant is pathogenic, but additional data are needed to prove that conclusively. Therefore, this variant has been classified as Likely Pathogenic. This variant has not been reported in the literature in individuals with COL4A3-related conditions. ClinVar contains an entry for this variant (Variation ID: 857806). This variant results in the deletion of exon 2 and part of exon 3 part of exon (c.88-5976_195del) of the COL4A3 gene. It is expected to disrupt RNA splicing. Variants that disrupt the donor or acceptor splice site typically lead to a loss of protein function (PMID: 16199547), and loss-of-function variants in COL4A3 are known to be pathogenic (PMID: 8956999, 24854265, 26809805, 27281700).

Literature cited by the submitters: PubMed 16199547; PubMed 8956999; PubMed 24854265; PubMed 26809805; PubMed 27281700.

NC_000002.11:g.(?_228096705)_(228104906_?)del

Gene: COL4A3 (collagen type IV alpha 3 chain; plus strand). Cytogenetic location: 2q36.3.
Variant type: Deletion.
Identifiers: ClinVar variation 3247440 (VCV003247440.1).